The following is an entry in ClinVar:

ClinVar aggregate classification (germline): Uncertain significance (1 of 4 stars; one submission).

Conditions:
Distal myopathy with posterior leg and anterior hand involvement. Also called: WILLIAMS DISTAL MYOPATHY. Identifiers: Orphanet 63273, MedGen C3279722, MONDO:0013550, OMIM 614065.
Hypertrophic cardiomyopathy 26. Also called: Cardiomyopathy, familial hypertrophic, 26. Identifiers: Orphanet 75249, MedGen C4310749, MONDO:0014883, OMIM 617047.
Myofibrillar myopathy 5. Also called: Filaminopathy (type); FILAMINOPATHY, AUTOSOMAL DOMINANT. Identifiers: Orphanet 171445, MedGen C1836050, MONDO:0012289, OMIM 609524.

Submission:

Labcorp Genetics (formerly Invitae), Labcorp
Classification: Uncertain significance for Distal myopathy with posterior leg and anterior hand involvement; Myofibrillar myopathy 5; Hypertrophic cardiomyopathy 26. Last evaluated: 2024-08-13. Review status: criteria provided, single submitter. Criteria: Invitae Variant Classification Sherloc (09022015). Collection method: clinical testing. Allele origin: germline.
Comment: This sequence change replaces glycine, which is neutral and non-polar, with glutamic acid, which is acidic and polar, at codon 1800 of the FLNC protein (p.Gly1800Glu). This variant is not present in population databases (gnomAD no frequency). This variant has not been reported in the literature in individuals affected with FLNC-related conditions. An algorithm developed to predict the effect of missense changes on protein structure and function (PolyPhen-2) suggests that this variant is likely to be disruptive. Algorithms developed to predict the effect of sequence changes on RNA splicing suggest that this variant may create or strengthen a splice site. In summary, the available evidence is currently insufficient to determine the role of this variant in disease. Therefore, it has been classified as a Variant of Uncertain Significance.

NM_001458.5(FLNC):c.5399G>A (p.Gly1800Glu)

Genes: FLNC (filamin C; plus strand), FLNC-AS1 (FLNC antisense RNA 1; minus strand). Cytogenetic location: 7q32.1.
Variant type: single nucleotide variant.
Coding change: c.5399G>A on transcript NM_001458.5 (MANE Select); coding-DNA position 5399, G replaced by A.
Protein change: p.Gly1800Glu; replaces glycine 1800 with glutamic acid.
Molecular consequence: missense variant.
Genome position (GRCh38, 1-based): chr7:128,850,803, G>A. VCF-style: chr7-128850803-G-A. GRCh37 (hg19) VCF-style: chr7-128490857-G-A.
Other names: c.5300G>A, p.Gly1767Glu (NM_001127487.2); short protein forms G1767E, G1800E.
Identifiers: ClinVar variation 3751173 (VCV003751173.2).